The following is an entry in ClinVar:

ClinVar aggregate classification (germline): Uncertain significance. Review status: criteria provided, multiple submitters, no conflicts (2 of 4 stars). 2 submissions from 2 submitters: Uncertain significance (2). Last evaluated 2024-05-20.

Conditions:
Klippel-Feil anomaly-myopathy-facial dysmorphism syndrome. Also called: Klippel-Feil syndrome 4, autosomal recessive, with myopathy and facial dysmorphism; Klippel-feil syndrome 4, autosomal recessive, with nemaline myopathy and facial dysmorphism. Identifiers: Orphanet 447974, MedGen C4225285, MONDO:0014689, OMIM 616549.

Allele frequency attached by ClinVar (database versions not stated): ExAC 0.00001; gnomAD 0.00002; TOPMed 0.00002.
gnomAD v4.1: 28 of 1,613,384 alleles (0.0017%); highest among the groups gnomAD compares: Middle Eastern, 0.016%; no homozygotes.

Submissions (2):

Labcorp Genetics (formerly Invitae), Labcorp
Classification: Uncertain significance. Last evaluated: 2024-05-20. Review status: criteria provided, single submitter. Criteria: Invitae Variant Classification Sherloc (09022015). Collection method: clinical testing. Allele origin: germline.
Comment: This sequence change replaces arginine, which is basic and polar, with histidine, which is basic and polar, at codon 1022 of the MYO18B protein (p.Arg1022His). This variant is present in population databases (rs764469212, gnomAD 0.01%). This variant has not been reported in the literature in individuals affected with MYO18B-related conditions. ClinVar contains an entry for this variant (Variation ID: 2433964). Algorithms developed to predict the effect of missense changes on protein structure and function output the following: SIFT: "Not Available"; PolyPhen-2: "Benign"; Align-GVGD: "Not Available". The histidine amino acid residue is found in multiple mammalian species, which suggests that this missense change does not adversely affect protein function. In summary, the available evidence is currently insufficient to determine the role of this variant in disease. Therefore, it has been classified as a Variant of Uncertain Significance.

Revvity Omics, Revvity
Classification: Uncertain significance for Klippel-Feil anomaly-myopathy-facial dysmorphism syndrome. Last evaluated: 2021-12-31. Review status: criteria provided, single submitter. Criteria: ACMG Guidelines, 2015. Collection method: clinical testing. Allele origin: germline.

NM_032608.7(MYO18B):c.3065G>A (p.Arg1022His)

Gene: MYO18B (myosin XVIIIB; plus strand). Cytogenetic location: 22q12.1.
Variant type: single nucleotide variant.
Coding change: c.3065G>A on transcript NM_032608.7 (MANE Select); coding-DNA position 3065, G replaced by A.
Protein change: p.Arg1022His; replaces arginine 1022 with histidine.
Molecular consequence: missense variant.
Genome position (GRCh38, 1-based): chr22:25,835,300, G>A. VCF-style: chr22-25835300-G-A. GRCh37 (hg19) VCF-style: chr22-26231267-G-A.
Other names: c.3068G>A, p.Arg1023His (NM_001318245.2); short protein forms R1022H, R1023H.
Identifiers: ClinVar variation 2433964 (VCV002433964.5), dbSNP rs764469212, ClinGen allele CA10160445.